The following is an entry in ClinVar:

ClinVar aggregate classification (germline): Likely pathogenic (1 of 4 stars; one submission).

Conditions:
THOC6-related developmental delay-microcephaly-facial dysmorphism syndrome. Also called: Microcephaly, mental retardation, and distinctive facies, with cardiac and genitourinary malformations; THOC6 Intellectual Disability Syndrome; Beaulieu-Boycott-Innes syndrome. Identifiers: Orphanet 363444, MedGen C3150939, MONDO:0013362, OMIM 613680.

Submission:

Juno Genomics, Hangzhou Juno Genomics, Inc
Classification: Likely pathogenic for THOC6-related developmental delay-microcephaly-facial dysmorphism syndrome. Review status: criteria provided, single submitter. Criteria: ACMG Guidelines, 2015. Collection method: clinical testing. Allele origin: germline.
Comment: Absent from controls (or at extremely low frequency if recessive) in Genome Aggregation Database.;Null variant in a gene where loss of function (LOF) is a known mechanism of disease.

NM_024339.5(THOC6):c.795del (p.Phe266fs)

Gene: THOC6 (THO complex subunit 6; plus strand). Cytogenetic location: 16p13.3.
Variant type: Deletion.
Coding change: c.795del on transcript NM_024339.5 (MANE Select); coding-DNA position 795, one base deleted (C; older notation c.795delC).
Protein change: p.Phe266fs; shifts the reading frame from phenylalanine 266.
Molecular consequence: frameshift variant.
Genome position (GRCh38, 1-based): chr16:3,027,265, C deleted; the last of 2 consecutive C bases (chr16:3,027,264-3,027,265); deleting either gives the same sequence. VCF-style (leftmost placement, unchanged base first): chr16-3027263-AC-A. GRCh37 (hg19) VCF-style: chr16-3077264-AC-A.
Other names: c.795del, p.Phe266fs (NM_001142350.3, NM_001347704.2); c.723del, p.Phe242fs (NM_001347703.2); short protein forms F242fs, F266fs.
Identifiers: ClinVar variation 5019117 (VCV005019117.2).